The following is an entry in ClinVar:

NM_001040142.2(SCN2A):c.226G>A (p.Val76Met)

Gene: SCN2A (sodium voltage-gated channel alpha subunit 2; plus strand). Cytogenetic location: 2q24.3.
Variant type: single nucleotide variant.
Coding change: c.226G>A on transcript NM_001040142.2 (MANE Select); coding-DNA position 226, G replaced by A.
Protein change: p.Val76Met; replaces valine 76 with methionine.
Molecular consequence: missense variant.
Genome position (GRCh38, 1-based): chr2:165,296,049, G>A. VCF-style: chr2-165296049-G-A. GRCh37 (hg19) VCF-style: chr2-166152559-G-A.
Other names: c.226G>A, p.Val76Met (NM_001040143.2, NM_001371246.1, NM_001371247.1 and 1 more transcripts); short protein forms V76M.
Identifiers: ClinVar variation 4070656 (VCV004070656.2).

ClinVar aggregate classification (germline): Uncertain significance (1 of 4 stars; one submission).

Submission:

GeneDx
Classification: Uncertain significance. Last evaluated: 2026-02-05. Review status: criteria provided, single submitter. Criteria: GeneDx Variant Classification Process June 2021. Collection method: clinical testing. Allele origin: germline.
Comment: Not observed at significant frequency in large population cohorts (gnomAD); This substitution is predicted to be within the N-terminal cytoplasmic domain; In silico analysis suggests that this missense variant does not alter protein structure/function; Has not been previously published as pathogenic or benign to our knowledge